The following is an entry in ClinVar:

ClinVar aggregate classification (germline): Uncertain significance (1 of 4 stars; one submission).

Conditions:
Primary ciliary dyskinesia 6. Also called: Primary Ciliary Dyskinesia 6: TXNDC3-Related Primary Ciliary Dyskinesia. Identifiers: Orphanet 244, MedGen C1970506, MONDO:0012571, OMIM 610852.

Allele frequency attached by ClinVar (database versions not stated): gnomAD exomes below 0.00001; ExAC 0.00001.

Submission:

Labcorp Genetics (formerly Invitae), Labcorp
Classification: Uncertain significance for Primary ciliary dyskinesia 6. Last evaluated: 2019-12-04. Review status: criteria provided, single submitter. Criteria: Invitae Variant Classification Sherloc (09022015). Collection method: clinical testing. Allele origin: germline.
Comment: Algorithms developed to predict the effect of missense changes on protein structure and function are either unavailable or do not agree on the potential impact of this missense change (SIFT: "Tolerated"; PolyPhen-2: "Possibly Damaging"; Align-GVGD: "Class C0"). This variant has not been reported in the literature in individuals with NME8-related conditions. This variant is present in population databases (rs760066403, ExAC 0.002%). This sequence change replaces serine with arginine at codon 156 of the NME8 protein (p.Ser156Arg). The serine residue is weakly conserved and there is a moderate physicochemical difference between serine and arginine. In summary, the available evidence is currently insufficient to determine the role of this variant in disease. Therefore, it has been classified as a Variant of Uncertain Significance.

NM_016616.5(NME8):c.468T>A (p.Ser156Arg)

Gene: NME8 (NME/NM23 family member 8; plus strand). Cytogenetic location: 7p14.1.
Variant type: single nucleotide variant.
Coding change: c.468T>A on transcript NM_016616.5 (MANE Select); coding-DNA position 468, T replaced by A.
Protein change: p.Ser156Arg; replaces serine 156 with arginine.
Molecular consequence: missense variant.
Genome position (GRCh38, 1-based): chr7:37,864,361, T>A. VCF-style: chr7-37864361-T-A. GRCh37 (hg19) VCF-style: chr7-37903963-T-A.
Other names: short protein forms S156R.
Identifiers: ClinVar variation 848568 (VCV000848568.9), dbSNP rs760066403, ClinGen allele CA4222221.